The following is an entry in ClinVar:

ClinVar aggregate classification (germline): Uncertain significance (1 of 4 stars; one submission).

Conditions:
FG syndrome (FGS). Identifiers: MedGen C0220769, MONDO:0002010.

Allele frequency attached by ClinVar (database versions not stated): gnomAD exomes 0.00001; TOPMed 0.00001; ExAC 0.00002; gnomAD 0.00002.
gnomAD v4.1: 5 of 1,208,334 alleles (0.00041%); highest among the groups gnomAD compares: African/African-American, 0.0088%; no homozygotes.

Submission:

Labcorp Genetics (formerly Invitae), Labcorp
Classification: Uncertain significance for FG syndrome. Last evaluated: 2023-09-30. Review status: criteria provided, single submitter. Criteria: Invitae Variant Classification Sherloc (09022015). Collection method: clinical testing. Allele origin: germline.
Comment: This variant is present in population databases (rs770027742, gnomAD 0.02%), including at least one homozygous and/or hemizygous individual. This sequence change falls in intron 23 of the MED12 gene. It does not directly change the encoded amino acid sequence of the MED12 protein. It affects a nucleotide within the consensus splice site. In summary, the available evidence is currently insufficient to determine the role of this variant in disease. Therefore, it has been classified as a Variant of Uncertain Significance. Variants that disrupt the consensus splice site are a relatively common cause of aberrant splicing (PMID: 17576681, 9536098). Algorithms developed to predict the effect of sequence changes on RNA splicing suggest that this variant is not likely to affect RNA splicing. This variant has not been reported in the literature in individuals affected with MED12-related conditions.

Literature cited by the submitters: PubMed 17576681; PubMed 9536098.

NM_005120.3(MED12):c.3354+6A>C

Gene: MED12 (mediator complex subunit 12; plus strand). Cytogenetic location: Xq13.1.
Variant type: single nucleotide variant.
Coding change: c.3354+6A>C on transcript NM_005120.3 (MANE Select); 6 bases into the intron after coding-DNA position 3354, A replaced by C.
Molecular consequence: intron variant.
Genome position (GRCh38, 1-based): chrX:71,128,446, A>C. VCF-style: chrX-71128446-A-C. GRCh37 (hg19) VCF-style: chrX-70348296-A-C.
Identifiers: ClinVar variation 3021853 (VCV003021853.3), dbSNP rs770027742, ClinGen allele CA10444474.
Genomic context (GRCh38, chrX:71,128,446, plus strand): 5'-CTGCTCCTCTAACAATGGCACTTGTGGTTTCAACGATCTCCTCTGCAATGTTGATGTGAG[A>C]CTTGGGGTGGGGTTTTGCTAGTGGGGCAGTGACCAGGGCAGGGGGCTGGTTGTGATCCTC-3'